The following is an entry in ClinVar:

ClinVar aggregate classification (germline): Uncertain significance (1 of 4 stars; one submission).

Submission:

Labcorp Genetics (formerly Invitae), Labcorp
Classification: Uncertain significance. Last evaluated: 2025-10-02. Review status: criteria provided, single submitter. Criteria: Invitae Variant Classification Sherloc (09022015). Collection method: clinical testing. Allele origin: germline.
Comment: This sequence change replaces aspartic acid, which is acidic and polar, with tyrosine, which is neutral and polar, at codon 839 of the LZTR1 protein (p.Asp839Tyr). This variant is not present in population databases (gnomAD no frequency). This variant has not been reported in the literature in individuals affected with LZTR1-related conditions. Invitae Evidence Modeling of protein sequence and biophysical properties (such as structural, functional, and spatial information, amino acid conservation, physicochemical variation, residue mobility, and thermodynamic stability) indicates that this missense variant is not expected to disrupt LZTR1 protein function with a negative predictive value of 80%. In summary, the available evidence is currently insufficient to determine the role of this variant in disease. Therefore, it has been classified as a Variant of Uncertain Significance.

NM_006767.4(LZTR1):c.2515G>T (p.Asp839Tyr)

Gene: LZTR1 (leucine zipper like post translational regulator 1; plus strand). Cytogenetic location: 22q11.21.
Variant type: single nucleotide variant.
Coding change: c.2515G>T on transcript NM_006767.4 (MANE Select); coding-DNA position 2515, G replaced by T.
Protein change: p.Asp839Tyr; replaces aspartic acid 839 with tyrosine.
Molecular consequence: missense variant.
Genome position (GRCh38, 1-based): chr22:20,997,340, G>T. VCF-style: chr22-20997340-G-T. GRCh37 (hg19) VCF-style: chr22-21351629-G-T.
Other names: short protein forms D839Y.
Identifiers: ClinVar variation 4739838 (VCV004739838.1).